The following is an entry in ClinVar:

ClinVar aggregate classification (germline): Uncertain significance (1 of 4 stars; one submission).

Conditions:
Hereditary cancer-predisposing syndrome. Also called: Tumor predisposition; Hereditary Cancer Syndrome; Hereditary neoplastic syndrome; Neoplastic Syndromes, Hereditary. Identifiers: Orphanet 140162, MedGen C0027672, MeSH D009386, MONDO:0015356.

Submission:

Ambry Genetics
Classification: Uncertain significance for Hereditary cancer-predisposing syndrome. Last evaluated: 2023-07-16. Review status: criteria provided, single submitter. Criteria: Ambry Variant Classification Scheme 2023. Collection method: clinical testing. Allele origin: germline.
Comment: The p.A897P variant (also known as c.2689G>C), located in coding exon 19 of the KIT gene, results from a G to C substitution at nucleotide position 2689. The alanine at codon 897 is replaced by proline, an amino acid with highly similar properties. This amino acid position is conserved. In addition, this alteration is predicted to be tolerated by in silico analysis. Since supporting evidence is limited at this time, the clinical significance of this alteration remains unclear.

NM_000222.3(KIT):c.2689G>C (p.Ala897Pro)

Gene: KIT (KIT proto-oncogene, receptor tyrosine kinase; plus strand). Cytogenetic location: 4q12.
Variant type: single nucleotide variant.
Coding change: c.2689G>C on transcript NM_000222.3 (MANE Select); coding-DNA position 2689, G replaced by C.
Protein change: p.Ala897Pro; replaces alanine 897 with proline.
Molecular consequence: missense variant.
Genome position (GRCh38, 1-based): chr4:54,736,813, G>C. VCF-style: chr4-54736813-G-C. GRCh37 (hg19) VCF-style: chr4-55602979-G-C.
Other names: c.2677G>C, p.Ala893Pro (NM_001093772.2, NM_001385292.1); c.2692G>C, p.Ala898Pro (NM_001385284.1); c.2686G>C, p.Ala896Pro (NM_001385285.1); c.2674G>C, p.Ala892Pro (NM_001385286.1); c.2680G>C, p.Ala894Pro (NM_001385288.1); c.2689G>C, p.Ala897Pro (NM_001385290.1); short protein forms A893P, A894P, A897P, A896P, A892P, A898P.
Identifiers: ClinVar variation 2587861 (VCV002587861.2), dbSNP rs1250080954, ClinGen allele CA356914073.